The following is an entry in ClinVar:

ClinVar aggregate classification (germline): Uncertain significance (1 of 4 stars; one submission).

Conditions:
Renal carnitine transport defect (CDSP). Also called: Carnitine transporter deficiency; Carnitine Deficiency, Systemic; Systemic primary carnitine deficiency; CARNITINE DEFICIENCY, SYSTEMIC, DUE TO DEFECT IN RENAL REABSORPTION OF CARNITINE; CARNITINE TRANSPORTER, PLASMA-MEMBRANE, DEFICIENCY OF; CARNITINE UPTAKE DEFECT. Identifiers: Orphanet 158, MedGen C0342788, MONDO:0008919, OMIM 212140.

Submission:

Labcorp Genetics (formerly Invitae), Labcorp
Classification: Uncertain significance for Renal carnitine transport defect. Last evaluated: 2023-04-12. Review status: criteria provided, single submitter. Criteria: Invitae Variant Classification Sherloc (09022015). Collection method: clinical testing. Allele origin: germline.
Comment: This sequence change replaces leucine, which is neutral and non-polar, with isoleucine, which is neutral and non-polar, at codon 361 of the SLC22A5 protein (p.Leu361Ile). Information on the frequency of this variant in the gnomAD database is not available, as this variant may be reported differently in the database. In summary, the available evidence is currently insufficient to determine the role of this variant in disease. Therefore, it has been classified as a Variant of Uncertain Significance. Experimental studies and prediction algorithms are not available or were not evaluated, and the functional significance of this variant is currently unknown. ClinVar contains an entry for this variant (Variation ID: 646659). This variant has not been reported in the literature in individuals affected with SLC22A5-related conditions.

NM_003060.4(SLC22A5):c.1080_1081delinsTA (p.Leu361Ile)

Gene: SLC22A5 (solute carrier family 22 member 5; plus strand). Cytogenetic location: 5q31.1.
Variant type: Indel.
Coding change: c.1080_1081delinsTA on transcript NM_003060.4 (MANE Select); coding-DNA positions 1080 to 1081, GC replaced by TA.
Protein change: p.Leu361Ile; replaces leucine 361 with isoleucine.
Molecular consequence: missense variant.
Genome position (GRCh38, 1-based): chr5:132,390,717-132,390,718, GC replaced by TA. VCF-style: chr5-132390717-GC-TA. GRCh37 (hg19) VCF-style: chr5-131726409-GC-TA.
Other names: c.1152_1153delinsTA, p.Leu385Ile (NM_001308122.2); short protein forms L361I, L385I.
Identifiers: ClinVar variation 646659 (VCV000646659.8), dbSNP rs1580892228, ClinGen allele CA915943455.